The following is an entry in ClinVar:

NC_000010.10:g.(?_102747968)_(102789976_?)dup

Genes: LZTS2 (leucine zipper tumor suppressor 2; plus strand), PDZD7 (PDZ domain containing 7; minus strand), TWNK (twinkle mtDNA helicase; plus strand). Cytogenetic location: 10q24.31.
Variant type: Duplication.
Identifiers: ClinVar variation 3244996 (VCV003244996.1).

ClinVar aggregate classification (germline): Uncertain significance (1 of 4 stars; one submission).

Submission:

Labcorp Genetics (formerly Invitae), Labcorp
Classification: Uncertain significance. Last evaluated: 2023-08-19. Review status: criteria provided, single submitter. Criteria: Invitae Variant Classification Sherloc (09022015). Collection method: clinical testing. Allele origin: unknown.
Comment: A copy number gain of the genomic region encompassing the full coding sequence of the TWNK gene has been identified. The boundaries of this event are unknown as they extend beyond the assayed region for this gene and therefore may encompass additional genes. As the precise location of this event is unknown, it may be in tandem or it may be located elsewhere in the genome. This variant has not been reported in the literature in individuals affected with TWNK-related conditions. In summary, the available evidence is currently insufficient to determine the role of this variant in disease. Therefore, it has been classified as a Variant of Uncertain Significance.